The following is an entry in ClinVar:

NM_001430.5(EPAS1):c.1191C>T (p.Pro397=)

Gene: EPAS1 (endothelial PAS domain protein 1; plus strand). Cytogenetic location: 2p21.
Variant type: single nucleotide variant.
Coding change: c.1191C>T on transcript NM_001430.5 (MANE Select); coding-DNA position 1191, C replaced by T.
Protein change: p.Pro397=; no amino-acid change (proline 397 retained).
Molecular consequence: synonymous variant.
Genome position (GRCh38, 1-based): chr2:46,376,695, C>T. VCF-style: chr2-46376695-C-T. GRCh37 (hg19) VCF-style: chr2-46603834-C-T.
Identifiers: ClinVar variation 722349 (VCV000722349.11), dbSNP rs138622780, ClinGen allele CA1644900.
Genomic context (GRCh38, chr2:46,376,695, plus strand): 5'-TGGCAAGGGGGCTGTGTCTGAGAAGAGTAACTTCCTATTCACCAAGCTAAAGGAGGAGCC[C>T]GAGGAGCTGGCCCAGCTGGCTCCCACCCCAGGAGACGCCATCATCTCTCTGGATTTCGGT-3'
Protein context (NP_001421.2, residues 387-407): NFLFTKLKEE[Pro397=]EELAQLAPTP

ClinVar aggregate classification (germline): Benign/Likely benign. Review status: criteria provided, multiple submitters, no conflicts (2 of 4 stars). 5 submissions from 5 submitters: Benign (2); Likely benign (2). 1 of the submissions does not count toward it. Last evaluated 2025-12-15.

Conditions:
EPAS1-related disorder. Also called: EPAS1-related condition.
Inborn genetic diseases. Identifiers: MedGen C0950123, MeSH D030342.

Allele frequency attached by ClinVar (database versions not stated): ExAC 0.00040; ESP Exome Variant Server 0.00069; gnomAD 0.00096 and 0.00099; TOPMed 0.00108; 1000 Genomes Project 30x 0.00156; 1000 Genomes Project 0.00200.
gnomAD v4.1: 343 of 1,613,584 alleles (0.021%); highest among the groups gnomAD compares: African/African-American, 0.38%; no homozygotes.

Submissions (5):

Labcorp Genetics (formerly Invitae), Labcorp
Classification: Benign. Last evaluated: 2025-12-15. Review status: criteria provided, single submitter. Criteria: Invitae Variant Classification Sherloc (09022015). Collection method: clinical testing. Allele origin: germline.

Blueprint Genetics
Classification: Likely benign. Last evaluated: 2024-06-17. Review status: criteria provided, single submitter. Criteria: ACMG Guidelines, 2015. Collection method: clinical testing. Allele origin: germline.

Ambry Genetics
Classification: Likely benign for Inborn genetic diseases. Last evaluated: 2022-02-13. Review status: criteria provided, single submitter. Criteria: Ambry Variant Classification Scheme 2023. Collection method: clinical testing. Allele origin: germline.

Breakthrough Genomics
Classification: Benign. Review status: criteria provided, single submitter. Criteria: ACMG Guidelines, 2015. Collection method: not provided. Allele origin: germline. Inheritance: Autosomal dominant inheritance. Affected: yes.

PreventionGenetics, part of Exact Sciences
Classification: Likely benign for EPAS1-related condition. Last evaluated: 2019-12-12. Review status: no assertion criteria provided. Collection method: clinical testing. Allele origin: germline. Not counted in ClinVar's aggregate classification.
Comment: This variant is classified as likely benign based on ACMG/AMP sequence variant interpretation guidelines (Richards et al. 2015 PMID: 25741868, with internal and published modifications).